The following is an entry in ClinVar:

NM_007317.3(KIF22):c.1677+1G>C

Gene: KIF22 (kinesin family member 22; plus strand). Cytogenetic location: 16p11.2.
Variant type: single nucleotide variant.
Coding change: c.1677+1G>C on transcript NM_007317.3 (MANE Select); the canonical splice donor site of the intron after coding-DNA position 1677, G replaced by C.
Molecular consequence: splice donor variant.
Genome position (GRCh38, 1-based): chr16:29,804,066, G>C. VCF-style: chr16-29804066-G-C. GRCh37 (hg19) VCF-style: chr16-29815387-G-C.
Other names: c.1473+1G>C (NM_001256269.2, NM_001256270.1).
Identifiers: ClinVar variation 4883210 (VCV004883210.2).
Genomic context (GRCh38, chr16:29,804,066, plus strand): 5'-CAGGCAGCATCCCCAAATGCCGAGATCCACATCCTGAAGAATAAAGGCCGGAAGAGAAAG[G>C]TGAAAGTAGCTGGGGGCTTAGGCTACACCTGGAGCCCAGAAGTAAGGGGGAGTAGGCTCT-3'

ClinVar aggregate classification (germline): Uncertain significance (1 of 4 stars; one submission).

Submission:

Dasa
Classification: Uncertain significance. Last evaluated: 2026-03-05. Review status: criteria provided, single submitter. Criteria: DASA Assertion Criteria. Collection method: clinical testing. Allele origin: germline.
Comment: NM_007317.3(KIF22):c.1677+1G>C affects a canonical splice site and is predicted to disrupt normal RNA splicing. This variant is rare in population databases. Computational prediction algorithms are consistent with a deleterious effect. The currently available literature and clinical evidence are not sufficient to establish a definitive association between this variant and the reported condition. Therefore, this variant is classified as a variant of uncertain significance.